The following is an entry in ClinVar:

ClinVar aggregate classification (germline): Likely benign. Review status: criteria provided, multiple submitters, no conflicts (2 of 4 stars). 4 submissions from 4 submitters: Likely benign (2). 2 of the submissions do not count toward it. Last evaluated 2025-12-14.

Conditions:
HPS3-related disorder. Also called: HPS3-related condition.
Hermansky-Pudlak syndrome (HPS). Also called: ALBINISM WITH HEMORRHAGIC DIATHESIS AND PIGMENTED RETICULOENDOTHELIAL CELLS. Identifiers: Orphanet 79430, MedGen C0079504, MONDO:0019312.

Allele frequency attached by ClinVar (database versions not stated): gnomAD 0.00001 and 0.00003; TOPMed 0.00003; 1000 Genomes Project 30x 0.00016; 1000 Genomes Project 0.00020.
gnomAD v4.1: 93 of 1,613,932 alleles (0.0058%); highest among the groups gnomAD compares: East Asian, 0.029%; no homozygotes.

Submissions (4):

Labcorp Genetics (formerly Invitae), Labcorp
Classification: Likely benign. Last evaluated: 2025-12-14. Review status: criteria provided, single submitter. Criteria: Invitae Variant Classification Sherloc (09022015). Collection method: clinical testing. Allele origin: germline.

Blueprint Genetics
Classification: Likely benign. Last evaluated: 2024-08-12. Review status: criteria provided, single submitter. Criteria: ACMG Guidelines, 2015. Collection method: clinical testing. Allele origin: germline.

PreventionGenetics, part of Exact Sciences
Classification: Likely benign for HPS3-related condition. Last evaluated: 2024-03-05. Review status: no assertion criteria provided. Collection method: clinical testing. Allele origin: germline. Not counted in ClinVar's aggregate classification.
Comment: This variant is classified as likely benign based on ACMG/AMP sequence variant interpretation guidelines (Richards et al. 2015 PMID: 25741868, with internal and published modifications).

Natera, Inc.
Classification: Likely benign for Hermansky-Pudlak syndrome. Last evaluated: 2020-05-02. Review status: no assertion criteria provided. Collection method: clinical testing. Allele origin: germline. Not counted in ClinVar's aggregate classification.

NM_032383.5(HPS3):c.2181C>T (p.Thr727=)

Gene: HPS3 (HPS3 biogenesis of lysosomal organelles complex 2 subunit 1; plus strand). Cytogenetic location: 3q24.
Variant type: single nucleotide variant.
Coding change: c.2181C>T on transcript NM_032383.5 (MANE Select); coding-DNA position 2181, C replaced by T.
Protein change: p.Thr727=; no amino-acid change (threonine 727 retained).
Molecular consequence: synonymous variant.
Genome position (GRCh38, 1-based): chr3:149,162,222, C>T. VCF-style: chr3-149162222-C-T. GRCh37 (hg19) VCF-style: chr3-148880009-C-T.
Other names: c.1686C>T, p.Thr562= (NM_001308258.2).
Identifiers: ClinVar variation 748824 (VCV000748824.14), dbSNP rs573058813, ClinGen allele CA2660252.